The following is an entry in ClinVar:

NM_001077350.3(NPRL3):c.1039C>T (p.Pro347Ser)

Genes: HBA-LCR (alpha-globin locus control region; plus strand), NPRL3 (NPR3 like, GATOR1 complex subunit; minus strand). Cytogenetic location: 16p13.3.
Variant type: single nucleotide variant.
Coding change: c.1039C>T on transcript NM_001077350.3 (MANE Select); coding-DNA position 1039, C replaced by T.
Protein change: p.Pro347Ser; replaces proline 347 with serine.
Molecular consequence: missense variant.
Genome position (GRCh38, 1-based): chr16:92,718, G>A on the plus strand (C>T on the coding strand, the complement: NPRL3 is on the minus strand). VCF-style: chr16-92718-G-A. GRCh37 (hg19) VCF-style: chr16-142716-G-A.
Other names: c.502C>T, p.Pro168Ser (NM_001039476.3); c.805C>T, p.Pro269Ser (NM_001243247.2); c.964C>T, p.Pro322Ser (NM_001243248.2, NM_001243249.2); c.1039C>T (NM_001077350.2); short protein forms P168S, P269S, P322S, P347S.
Identifiers: ClinVar variation 1052227 (VCV001052227.10), dbSNP rs765599501, ClinGen allele CA7769462.

ClinVar aggregate classification (germline): Uncertain significance. Review status: criteria provided, multiple submitters, no conflicts (2 of 4 stars). 2 submissions from 2 submitters: Uncertain significance (2). Last evaluated 2025-06-12.

Conditions:
Epilepsy, familial focal, with variable foci 3 (FFEVF3). Identifiers: MedGen C4310708, MONDO:0014925, OMIM 617118.

Allele frequency attached by ClinVar (database versions not stated): gnomAD exomes below 0.00001; TOPMed below 0.00001; gnomAD 0.00001.
gnomAD v4.1: 5 of 1,613,504 alleles (0.00031%); highest among the groups gnomAD compares: Admixed American, 0.0033%; no homozygotes.

Submissions (2):

Labcorp Genetics (formerly Invitae), Labcorp
Classification: Uncertain significance for Epilepsy, familial focal, with variable foci 3. Last evaluated: 2025-06-12. Review status: criteria provided, single submitter. Criteria: Invitae Variant Classification Sherloc (09022015). Collection method: clinical testing. Allele origin: germline.
Comment: This sequence change replaces proline, which is neutral and non-polar, with serine, which is neutral and polar, at codon 347 of the NPRL3 protein (p.Pro347Ser). This variant is not present in population databases (gnomAD no frequency). This variant has not been reported in the literature in individuals affected with NPRL3-related conditions. ClinVar contains an entry for this variant (Variation ID: 1052227). Invitae Evidence Modeling of protein sequence and biophysical properties (such as structural, functional, and spatial information, amino acid conservation, physicochemical variation, residue mobility, and thermodynamic stability) indicates that this missense variant is not expected to disrupt NPRL3 protein function with a negative predictive value of 80%. In summary, the available evidence is currently insufficient to determine the role of this variant in disease. Therefore, it has been classified as a Variant of Uncertain Significance.

GeneDx
Classification: Uncertain significance. Last evaluated: 2023-05-25. Review status: criteria provided, single submitter. Criteria: GeneDx Variant Classification Process June 2021. Collection method: clinical testing. Allele origin: germline. Affected: yes.
Comment: Not observed at significant frequency in large population cohorts (gnomAD); In silico analysis supports that this missense variant does not alter protein structure/function; Has not been previously published as pathogenic or benign to our knowledge